The following is an entry in ClinVar:

ClinVar aggregate classification (germline): Pathogenic (1 of 4 stars; one submission).

Conditions:
Xanthinuria type II. Also called: Xanthine dehydrogenase and aldehyde oxidase combined deficiency of; XDH and AOX dual deficiency. Identifiers: Orphanet 3467, Orphanet 93602, MedGen C1863688, MONDO:0011346, OMIM 603592.

Submission:

Labcorp Genetics (formerly Invitae), Labcorp
Classification: Pathogenic for Xanthinuria type II. Last evaluated: 2023-03-02. Review status: criteria provided, single submitter. Criteria: Invitae Variant Classification Sherloc (09022015). Collection method: clinical testing. Allele origin: germline.
Comment: This sequence change creates a premature translational stop signal (p.Ala556Serfs*15) in the XDH gene. It is expected to result in an absent or disrupted protein product. Loss-of-function variants in XDH are known to be pathogenic (PMID: 9153281). This variant is present in population databases (rs777123723, gnomAD 0.004%). This premature translational stop signal has been observed in individual(s) with xanthinuria (PMID: 10844591). This variant is also known as 1658insC. ClinVar contains an entry for this variant (Variation ID: 2073968). For these reasons, this variant has been classified as Pathogenic.

Literature cited by the submitters: PubMed 9153281; PubMed 10844591.

NM_000379.4(XDH):c.1664dup (p.Ala556fs)

Gene: XDH (xanthine dehydrogenase; minus strand). Cytogenetic location: 2p23.1.
Variant type: Duplication.
Coding change: c.1664dup on transcript NM_000379.4 (MANE Select); coding-DNA position 1664, one base duplicated (C; older notation c.1664dupC).
Protein change: p.Ala556fs; shifts the reading frame from alanine 556.
Molecular consequence: frameshift variant.
Genome position (GRCh38, 1-based): chr2:31,373,895, G duplicated on the plus strand (C on the coding strand, the reverse complement: XDH is on the minus strand); the first of 6 consecutive G bases (chr2:31,373,895-31,373,900); duplicating any one gives the same sequence. VCF-style (leftmost placement, unchanged base first): chr2-31373894-T-TG. GRCh37 (hg19) VCF-style: chr2-31596760-T-TG.
Other names: short protein forms A556fs.
Identifiers: ClinVar variation 2073968 (VCV002073968.4), dbSNP rs777123723, ClinGen allele CA1599145.
Genomic context (GRCh38, chr2:31,373,894, plus strand): 5'-AAAGTCCCCTGATATTAGCCATACACTGACCGTACTCACTTGGAAGAGCTGGACATCGGC[T>TG]GGGGGGTCTTTCTGAAACAGTAAAGTTGCACTGGCGAAAGTGGGGTCCAGTTTACCACAC-3'